The following is an entry in ClinVar:

ClinVar aggregate classification (germline): Conflicting classifications of pathogenicity. Review status: criteria provided, conflicting classifications (1 of 4 stars). 10 submissions from 8 submitters: Uncertain significance (4); Likely benign (2). 4 of the submissions do not count toward it. Last evaluated 2023-08-23.

Conditions:
Acute febrile neutrophilic dermatosis (AFND). Also called: Sweet Syndrome; Gomm Button disease. Identifiers: Orphanet 3243, MedGen C0085077, MONDO:0011959, OMIM 608068.
Familial Mediterranean fever, autosomal dominant. Also called: FMF, AUTOSOMAL DOMINANT; Dominant Familial Mediterranean Fever. Identifiers: Orphanet 342, MedGen C1851347, MONDO:0007601, OMIM 134610.
Familial Mediterranean fever (FMF). Also called: POLYSEROSITIS, FAMILIAL PAROXYSMAL; POLYSEROSITIS, RECURRENT; Periodic peritonitis; Benign paroxysmal peritonitis. Identifiers: Orphanet 342, MedGen C0031069, MONDO:0018088, OMIM 249100. Disease mechanism: gain of function.

Allele frequency attached by ClinVar (database versions not stated): gnomAD exomes below 0.00001; ExAC 0.00001; gnomAD 0.00002; TOPMed 0.00002.
gnomAD v4.1: 11 of 1,613,994 alleles (0.00068%); highest among the groups gnomAD compares: Admixed American, 0.0033%; no homozygotes.

Submissions (10):

Blueprint Genetics
Classification: Uncertain significance. Last evaluated: 2023-08-23. Review status: criteria provided, single submitter. Criteria: ACMG Guidelines, 2015. Collection method: clinical testing. Allele origin: germline.

Genome-Nilou Lab
Classification: Uncertain significance for Familial Mediterranean fever. Last evaluated: 2023-02-08. Review status: criteria provided, single submitter. Criteria: ACMG Guidelines, 2015. Collection method: clinical testing. Allele origin: germline.

Genome-Nilou Lab
Classification: Likely benign for Familial Mediterranean fever, autosomal dominant. Last evaluated: 2023-02-08. Review status: criteria provided, single submitter. Criteria: ACMG Guidelines, 2015. Collection method: clinical testing. Allele origin: germline.

Genome-Nilou Lab
Classification: Likely benign for Acute febrile neutrophilic dermatosis. Last evaluated: 2023-02-08. Review status: criteria provided, single submitter. Criteria: ACMG Guidelines, 2015. Collection method: clinical testing. Allele origin: germline.

Labcorp Genetics (formerly Invitae), Labcorp
Classification: Uncertain significance for Familial Mediterranean fever. Last evaluated: 2022-07-25. Review status: criteria provided, single submitter. Criteria: Invitae Variant Classification Sherloc (09022015). Collection method: clinical testing. Allele origin: germline.
Comment: This sequence change replaces glutamic acid, which is acidic and polar, with lysine, which is basic and polar, at codon 319 of the MEFV protein (p.Glu319Lys). This variant is present in population databases (rs104895110, gnomAD 0.003%). This missense change has been observed in individual(s) with familial Mediterranean fever (PMID: 15024744). ClinVar contains an entry for this variant (Variation ID: 97555). Algorithms developed to predict the effect of missense changes on protein structure and function output the following: SIFT: "Tolerated"; PolyPhen-2: "Benign"; Align-GVGD: "Class C0". The lysine amino acid residue is found in multiple mammalian species, which suggests that this missense change does not adversely affect protein function. In summary, the available evidence is currently insufficient to determine the role of this variant in disease. Therefore, it has been classified as a Variant of Uncertain Significance.

Mendelics
Classification: Uncertain significance for Familial Mediterranean fever. Last evaluated: 2019-05-28. Review status: criteria provided, single submitter. Criteria: Mendelics Assertion Criteria 2017. Collection method: clinical testing. Allele origin: unknown.

Natera, Inc.
Classification: Uncertain significance for Familial Mediterranean fever. Last evaluated: 2020-03-18. Review status: no assertion criteria provided. Collection method: clinical testing. Allele origin: germline. Not counted in ClinVar's aggregate classification.

Diagnostic Laboratory, Department of Genetics, University Medical Center Groningen
Classification: Uncertain significance. Review status: no assertion criteria provided. Collection method: clinical testing. Allele origin: germline. Affected: yes. Study: VKGL Data-share Consensus. Not counted in ClinVar's aggregate classification.

Genome Diagnostics Laboratory, University Medical Center Utrecht
Classification: Uncertain significance. Review status: no assertion criteria provided. Collection method: clinical testing. Allele origin: germline. Affected: yes. Study: VKGL Data-share Consensus. Not counted in ClinVar's aggregate classification.

Unité médicale des maladies autoinflammatoires, CHRU Montpellier
No classification provided. Condition: Familial Mediterranean fever. Review status: no classification provided. Collection method: not provided. Allele origin: unknown. Not counted in ClinVar's aggregate classification.

Literature cited by the submitters: PubMed 15024744 (cited by Labcorp Genetics (formerly Invitae), Labcorp).

NM_000243.3(MEFV):c.955G>A (p.Glu319Lys)

Gene: MEFV (MEFV innate immunity regulator, pyrin; minus strand). Cytogenetic location: 16p13.3.
Variant type: single nucleotide variant.
Coding change: c.955G>A on transcript NM_000243.3 (MANE Select); coding-DNA position 955, G replaced by A.
Protein change: p.Glu319Lys; replaces glutamic acid 319 with lysine.
Molecular consequence: missense variant.
Genome position (GRCh38, 1-based): chr16:3,249,736, C>T on the plus strand (G>A on the coding strand, the complement: MEFV is on the minus strand). VCF-style: chr16-3249736-C-T. GRCh37 (hg19) VCF-style: chr16-3299736-C-T.
Other names: c.322G>A, p.Glu108Lys (NM_001198536.2); short protein forms E319K, E108K.
Identifiers: ClinVar variation 97555 (VCV000097555.14), dbSNP rs104895110, ClinGen allele CA280684.
Genomic context (GRCh38, chr16:3,249,736, plus strand): 5'-AAACTGCCTCGGGGAAGCTGCAGGAATCACGCACACAGGTACCGTCAACTGGGTCTCCTT[C>T]CTGGGCGTGGCAGCGGGGACTCGCAGCCGTGTCTGGTGGCCTTCCTGGGGACATGCAGTG-3'
Protein context (NP_000234.1, residues 309-329): TAASPRCHAQ[Glu319Lys]GDPVDGTCVR